The following is an entry in ClinVar:

NM_000093.5(COL5A1):c.4065del (p.Ala1356fs)

Gene: COL5A1 (collagen type V alpha 1 chain; plus strand). Cytogenetic location: 9q34.3.
Variant type: Deletion.
Coding change: c.4065del on transcript NM_000093.5 (MANE Select); coding-DNA position 4065, one base deleted (C; older notation c.4065delC).
Protein change: p.Ala1356fs; shifts the reading frame from alanine 1356.
Molecular consequence: frameshift variant.
Genome position (GRCh38, 1-based): chr9:134,815,626, C deleted; the last of 4 consecutive C bases (chr9:134,815,623-134,815,626); deleting any one gives the same sequence. VCF-style (leftmost placement, unchanged base first): chr9-134815622-GC-G. GRCh37 (hg19) VCF-style: chr9-137707468-GC-G.
Other names: p.Ala1356Argfs*132; c.4065delC, p.Ala1356Argfs (NM_000093.4); c.4065del, p.Ala1356fs (NM_001278074.1); short protein forms A1356fs.
Identifiers: ClinVar variation 2683663 (VCV002683663.1), dbSNP rs2490835200, ClinGen allele CA2697558213.
Genomic context (GRCh38, chr9:134,815,622, plus strand): 5'-TTTCTTCCTTTCAGGGCCCAGTGGGTTTTCCTGGAGATCCTGGCCCCCCCGGAGAGCCTG[GC>G]CCCGCGGTAGGTGCTCAAGAGGGCAAAGCCACCGGATCCCCCACAGTGCTGGCCTGCCTC-3'

ClinVar aggregate classification (germline): Likely pathogenic (1 of 4 stars; one submission).

Submission:

Mayo Clinic Laboratories, Mayo Clinic
Classification: Likely pathogenic. Last evaluated: 2022-02-21. Review status: criteria provided, single submitter. Criteria: ACMG Guidelines, 2015. Collection method: clinical testing. Allele origin: germline. Observed: 1 variant allele.
Comment: PM2, PVS1